The following is an entry in ClinVar:

NM_139318.5(KCNH5):c.810C>T (p.Phe270=)

Gene: KCNH5 (potassium voltage-gated channel subfamily H member 5; minus strand). Cytogenetic location: 14q23.2.
Variant type: single nucleotide variant.
Coding change: c.810C>T on transcript NM_139318.5 (MANE Select); coding-DNA position 810, C replaced by T.
Protein change: p.Phe270=; no amino-acid change (phenylalanine 270 retained).
Molecular consequence: synonymous variant.
Genome position (GRCh38, 1-based): chr14:62,981,004, G>A on the plus strand (C>T on the coding strand, the complement: KCNH5 is on the minus strand). VCF-style: chr14-62981004-G-A. GRCh37 (hg19) VCF-style: chr14-63447722-G-A.
Other names: c.810C>T, p.Phe270= (NM_172375.3).
Identifiers: ClinVar variation 461401 (VCV000461401.13), dbSNP rs376391048, ClinGen allele CA7217590.
Genomic context (GRCh38, chr14:62,981,004, plus strand): 5'-TTTCAGATAGTTCATCCTTATGAGCTTAGGGTCAGAAATGACCTCTCCACCGGGCCCCAC[G>A]AAAGTCGTGTGAAAATTTAAAACGATGTCAACCAGAAAAATAACGTCCACCACACTATCC-3'
Protein context (NP_647479.2, residues 260-280): VDIVLNFHTT[Phe270=]VGPGGEVISD

ClinVar aggregate classification (germline): Likely benign. Review status: criteria provided, multiple submitters, no conflicts (2 of 4 stars). 3 submissions from 3 submitters: Likely benign (2). 1 of the submissions does not count toward it. Last evaluated 2025-11-10.

Conditions:
KCNH5-related disorder. Also called: KCNH5-related condition.
Early-infantile DEE. Also called: Early infantile epileptic encephalopathy; Ohtahara syndrome; Early infantile epileptic encephalopathy with suppression bursts. Identifiers: Orphanet 1934, MedGen C0393706, MONDO:0800491.

Allele frequency attached by ClinVar (database versions not stated): gnomAD exomes 0.00006 and 0.00003; ExAC 0.00008; TOPMed 0.00005; gnomAD 0.00006.
gnomAD v4.1: 49 of 1,614,100 alleles (0.003%); highest among the groups gnomAD compares: Admixed American, 0.02%; no homozygotes.

Submissions (3):

Labcorp Genetics (formerly Invitae), Labcorp
Classification: Likely benign for Early-infantile DEE. Last evaluated: 2025-11-10. Review status: criteria provided, single submitter. Criteria: Invitae Variant Classification Sherloc (09022015). Collection method: clinical testing. Allele origin: germline.

Breakthrough Genomics
Classification: Likely benign. Review status: criteria provided, single submitter. Criteria: ACMG Guidelines, 2015. Collection method: not provided. Allele origin: germline. Inheritance: Unknown mechanism. Affected: yes.

PreventionGenetics, part of Exact Sciences
Classification: Likely benign for KCNH5-related condition. Last evaluated: 2024-03-27. Review status: no assertion criteria provided. Collection method: clinical testing. Allele origin: germline. Not counted in ClinVar's aggregate classification.
Comment: This variant is classified as likely benign based on ACMG/AMP sequence variant interpretation guidelines (Richards et al. 2015 PMID: 25741868, with internal and published modifications).